The following is an entry in ClinVar:

NM_003200.5(TCF3):c.287C>G (p.Pro96Arg)

Gene: TCF3 (transcription factor 3; minus strand). Cytogenetic location: 19p13.3.
Variant type: single nucleotide variant.
Coding change: c.287C>G on transcript NM_003200.5 (MANE Select); coding-DNA position 287, C replaced by G.
Protein change: p.Pro96Arg; replaces proline 96 with arginine.
Molecular consequence: missense variant.
Genome position (GRCh38, 1-based): chr19:1,632,049, G>C on the plus strand (C>G on the coding strand, the complement: TCF3 is on the minus strand). VCF-style: chr19-1632049-G-C. GRCh37 (hg19) VCF-style: chr19-1632048-G-C.
Other names: c.287C>G, p.Pro96Arg (NM_001136139.4, NM_001351778.2, NM_001351779.2); short protein forms P96R.
Identifiers: ClinVar variation 1990425 (VCV001990425.4), dbSNP rs531623553, ClinGen allele CA403079895.
Genomic context (GRCh38, chr19:1,632,049, plus strand): 5'-TCTGCACATCTGTGCACAGCAGAGGGACCGCACCAGGCCAGGCACTCACCTCCGAGTCCC[G>C]GTCCCAGGAATGTGGATGAAGAGAGGCTGCTGTGCGACTCAGTGAAGTGGGTGCCCTCGC-3'
Protein context (NP_003191.1, residues 86-106): SSLSSSTFLG[Pro96Arg]GLGGKSGERG

ClinVar aggregate classification (germline): Uncertain significance (1 of 4 stars; one submission).

gnomAD v4.1: 2 of 1,613,196 alleles (0.00012%); highest among the groups gnomAD compares: Non-Finnish European, 0.00017%; no homozygotes.

Submission:

Labcorp Genetics (formerly Invitae), Labcorp
Classification: Uncertain significance. Last evaluated: 2025-12-14. Review status: criteria provided, single submitter. Criteria: Invitae Variant Classification Sherloc (09022015). Collection method: clinical testing. Allele origin: germline.
Comment: This sequence change replaces proline, which is neutral and non-polar, with arginine, which is basic and polar, at codon 96 of the TCF3 protein (p.Pro96Arg). This variant is not present in population databases (gnomAD no frequency). This variant has not been reported in the literature in individuals affected with TCF3-related conditions. ClinVar contains an entry for this variant (Variation ID: 1990425). Invitae Evidence Modeling of protein sequence and biophysical properties (such as structural, functional, and spatial information, amino acid conservation, physicochemical variation, residue mobility, and thermodynamic stability) indicates that this missense variant is not expected to disrupt TCF3 protein function with a negative predictive value of 80%. In summary, the available evidence is currently insufficient to determine the role of this variant in disease. Therefore, it has been classified as a Variant of Uncertain Significance.